The following is an entry in ClinVar:

NM_182925.5(FLT4):c.3145G>A (p.Asp1049Asn)

Gene: FLT4 (fms related receptor tyrosine kinase 4; minus strand). Cytogenetic location: 5q35.3.
Variant type: single nucleotide variant.
Coding change: c.3145G>A on transcript NM_182925.5 (MANE Select); coding-DNA position 3145, G replaced by A.
Protein change: p.Asp1049Asn; replaces aspartic acid 1049 with asparagine.
Molecular consequence: missense variant.
Genome position (GRCh38, 1-based): chr5:180,616,441, C>T on the plus strand (G>A on the coding strand, the complement: FLT4 is on the minus strand). VCF-style: chr5-180616441-C-T. GRCh37 (hg19) VCF-style: chr5-180043441-C-T.
Other names: c.3145G>A (NM_182925.4); c.3145G>A, p.Asp1049Asn (NM_001354989.2, NM_002020.5); short protein forms D1049N.
Identifiers: ClinVar variation 2656154 (VCV002656154.25), dbSNP rs56310180, ClinGen allele CA3605979.

ClinVar aggregate classification (germline): Likely benign. Review status: criteria provided, multiple submitters, no conflicts (2 of 4 stars). 2 submissions from 2 submitters: Likely benign (2). Last evaluated 2025-10-23.

Conditions:
FLT4-related disorder. Also called: FLT4-related condition.

Allele frequency attached by ClinVar (database versions not stated): ExAC 0.00039; TOPMed 0.00042; gnomAD 0.00046; ESP Exome Variant Server 0.00077.

Submissions (2):

PreventionGenetics, part of Exact Sciences
Classification: Likely benign for FLT4-related condition. Last evaluated: 2025-10-23. Review status: criteria provided, single submitter. Criteria: ACMG Guidelines, 2015. Collection method: clinical testing. Allele origin: germline.
Comment: This variant is classified as likely benign based on ACMG/AMP sequence variant interpretation guidelines (Richards et al. 2015 PMID: 25741868, with internal and published modifications).

CeGaT Center for Human Genetics Tuebingen
Classification: Likely benign. Last evaluated: 2023-03-01. Review status: criteria provided, single submitter. Criteria: CeGaT Center For Human Genetics Tuebingen Variant Classification Criteria Version 2. Collection method: clinical testing. Allele origin: germline. Affected: yes. Observed: 1 variant allele.
Comment: FLT4: BP4